The following is an entry in ClinVar:

ClinVar aggregate classification (germline): Likely pathogenic (1 of 4 stars; one submission).

Allele frequency attached by ClinVar (database versions not stated): gnomAD exomes below 0.00001.
gnomAD v4.1: 1 of 1,604,236 alleles (0.000062%); highest among the groups gnomAD compares: Non-Finnish European, 0.000085%; no homozygotes.

Submission:

Labcorp Genetics (formerly Invitae), Labcorp
Classification: Likely pathogenic. Last evaluated: 2021-01-16. Review status: criteria provided, single submitter. Criteria: Invitae Variant Classification Sherloc (09022015). Collection method: clinical testing. Allele origin: germline.
Comment: This sequence change affects a donor splice site in intron 16 of the SLC12A6 gene. It is expected to disrupt RNA splicing. Variants that disrupt the donor or acceptor splice site typically lead to a loss of protein function (PMID: 16199547), and loss-of-function variants in SLC12A6 are known to be pathogenic (PMID: 12368912, 16606917). This variant is not present in population databases (ExAC no frequency). This variant has not been reported in the literature in individuals with SLC12A6-related conditions. Algorithms developed to predict the effect of sequence changes on RNA splicing suggest that this variant may disrupt the consensus splice site, but this prediction has not been confirmed by published transcriptional studies. In summary, the currently available evidence indicates that the variant is pathogenic, but additional data are needed to prove that conclusively. Therefore, this variant has been classified as Likely Pathogenic.

Literature cited by the submitters: PubMed 16199547; PubMed 12368912; PubMed 16606917.

NM_001365088.1(SLC12A6):c.2162+2T>A

Gene: SLC12A6 (solute carrier family 12 member 6; minus strand). Cytogenetic location: 15q14.
Variant type: single nucleotide variant.
Coding change: c.2162+2T>A on transcript NM_001365088.1 (MANE Select); the canonical splice donor site of the intron after coding-DNA position 2162, T replaced by A.
Molecular consequence: splice donor variant.
Genome position (GRCh38, 1-based): chr15:34,242,100, A>T on the plus strand (T>A on the coding strand, the complement: SLC12A6 is on the minus strand). VCF-style: chr15-34242100-A-T. GRCh37 (hg19) VCF-style: chr15-34534301-A-T.
Other names: c.1985+2T>A (NM_001042495.2, NM_001042494.2); c.2135+2T>A (NM_001042496.2); c.2117+2T>A (NM_001042497.2); c.2162+2T>A (NM_133647.2); c.2009+2T>A (NM_005135.2).
Identifiers: ClinVar variation 1471551 (VCV001471551.8), dbSNP rs2140669923, ClinGen allele CA391620161.